The following is an entry in ClinVar:

NM_000211.5(ITGB2):c.993+42T>C

Gene: ITGB2 (integrin subunit beta 2; minus strand). Cytogenetic location: 21q22.3.
Variant type: single nucleotide variant.
Coding change: c.993+42T>C on transcript NM_000211.5 (MANE Select); 42 bases into the intron after coding-DNA position 993, T replaced by C.
Molecular consequence: intron variant.
Genome position (GRCh38, 1-based): chr21:44,899,025, A>G on the plus strand (T>C on the coding strand, the complement: ITGB2 is on the minus strand). VCF-style: chr21-44899025-A-G. GRCh37 (hg19) VCF-style: chr21-46318940-A-G.
Other names: c.993+42T>C (NM_001127491.3); c.786+42T>C (NM_001303238.2).
Identifiers: ClinVar variation 1247653 (VCV001247653.5), dbSNP rs2838728, ClinGen allele CA10062972.

ClinVar aggregate classification (germline): Benign. Review status: criteria provided, multiple submitters, no conflicts (2 of 4 stars). 3 submissions from 3 submitters: Benign (3). Last evaluated 2024-01-24.

Allele frequency attached by ClinVar (database versions not stated): ESP Exome Variant Server 0.20471; gnomAD exomes 0.21582; ExAC 0.22051; gnomAD 0.22218 and 0.22387; TOPMed 0.23198; 1000 Genomes Project 0.28335; 1000 Genomes Project 30x 0.28560.
gnomAD v4.1: 279,401 of 1,493,452 alleles (19%); highest among the groups gnomAD compares: East Asian, 42%; 28,568 homozygotes.

Submissions (3):

Unidad de Genómica Garrahan, Hospital de Pediatría Garrahan
Classification: Benign. Last evaluated: 2024-01-24. Review status: criteria provided, single submitter. Criteria: ACMG Guidelines, 2015. Collection method: clinical testing. Allele origin: germline. Affected: no. Observed: 44 variant alleles.
Comment: This variant is classified as Benign based on local population frequency. This variant was detected in 46% of patients studied by a panel of primary immunodeficiencies. Number of patients: 44. Only high quality variants are reported.

GeneDx
Classification: Benign. Last evaluated: 2015-03-03. Review status: criteria provided, single submitter. Criteria: GeneDx Variant Classification Process June 2021. Collection method: clinical testing. Allele origin: germline. Affected: yes.

Breakthrough Genomics
Classification: Benign. Review status: criteria provided, single submitter. Criteria: ACMG Guidelines, 2015. Collection method: not provided. Allele origin: germline. Inheritance: Autosomal recessive inheritance. Affected: yes.